The following is an entry in ClinVar:

ClinVar aggregate classification (germline): Uncertain significance (1 of 4 stars; one submission).

Submission:

Labcorp Genetics (formerly Invitae), Labcorp
Classification: Uncertain significance. Last evaluated: 2025-11-02. Review status: criteria provided, single submitter. Criteria: Invitae Variant Classification Sherloc (09022015). Collection method: clinical testing. Allele origin: germline.
Comment: This sequence change replaces lysine, which is basic and polar, with arginine, which is basic and polar, at codon 1559 of the HUWE1 protein (p.Lys1559Arg). This variant is not present in population databases (gnomAD no frequency). This variant has not been reported in the literature in individuals affected with HUWE1-related conditions. Invitae Evidence Modeling of protein sequence and biophysical properties (such as structural, functional, and spatial information, amino acid conservation, physicochemical variation, residue mobility, and thermodynamic stability) has been performed for this missense variant. However, the output from this modeling did not meet the statistical confidence thresholds required to predict the impact of this variant on HUWE1 protein function. In summary, the available evidence is currently insufficient to determine the role of this variant in disease. Therefore, it has been classified as a Variant of Uncertain Significance.

NM_031407.7(HUWE1):c.4676A>G (p.Lys1559Arg)

Gene: HUWE1 (HECT, UBA and WWE domain containing E3 ubiquitin protein ligase 1; minus strand). Cytogenetic location: Xp11.22.
Variant type: single nucleotide variant.
Coding change: c.4676A>G on transcript NM_031407.7 (MANE Select); coding-DNA position 4676, A replaced by G.
Protein change: p.Lys1559Arg; replaces lysine 1559 with arginine.
Molecular consequence: missense variant.
Genome position (GRCh38, 1-based): chrX:53,586,848, T>C on the plus strand (A>G on the coding strand, the complement: HUWE1 is on the minus strand). VCF-style: chrX-53586848-T-C. GRCh37 (hg19) VCF-style: chrX-53613808-T-C.
Other names: c.4676A>G, p.Lys1559Arg (NM_001441048.1, NM_001441049.1, NM_001441051.1 and 6 more transcripts); c.4697A>G, p.Lys1566Arg (NM_001441050.1, NM_001441055.1); short protein forms K1559R, K1566R.
Identifiers: ClinVar variation 4801046 (VCV004801046.1).